The following is an entry in ClinVar:

NM_000553.6(WRN):c.3573-31TTG[8]

Gene: WRN (WRN RecQ like helicase; plus strand). Cytogenetic location: 8p12.
Variant type: Microsatellite.
Coding change: c.3573-31TTG[8] on transcript NM_000553.6 (MANE Select); eight copies in a row of the 3-base unit TTG starting at c.3573-31.
Molecular consequence: intron variant.
Genome position: GRCh38 VCF-style: chr8-31150309-T-TTTG. GRCh37 (hg19) VCF-style: chr8-31007825-T-TTTG.
Identifiers: ClinVar variation 3047140 (VCV003047140.2), dbSNP rs560446016, ClinGen allele CA4705112.

ClinVar aggregate classification (germline): Likely benign (0 of 4 stars; one submission).

Conditions:
WRN-related disorder. Also called: WRN-related condition.

Submission:

PreventionGenetics, part of Exact Sciences
Classification: Likely benign for WRN-related condition. Last evaluated: 2022-09-01. Review status: no assertion criteria provided. Collection method: clinical testing. Allele origin: germline.
Comment: This variant is classified as likely benign based on ACMG/AMP sequence variant interpretation guidelines (Richards et al. 2015 PMID: 25741868, with internal and published modifications).